The following is an entry in ClinVar:

NM_032564.5(DGAT2):c.871G>A (p.Glu291Lys)

Gene: DGAT2 (diacylglycerol O-acyltransferase 2; plus strand). Cytogenetic location: 11q13.5.
Variant type: single nucleotide variant.
Coding change: c.871G>A on transcript NM_032564.5 (MANE Select); coding-DNA position 871, G replaced by A.
Protein change: p.Glu291Lys; replaces glutamic acid 291 with lysine.
Molecular consequence: missense variant.
Genome position (GRCh38, 1-based): chr11:75,798,288, G>A. VCF-style: chr11-75798288-G-A. GRCh37 (hg19) VCF-style: chr11-75509333-G-A.
Other names: p.Glu291Lys; c.742G>A, p.Glu248Lys (NM_001253891.2); short protein forms E291K, E248K.
Identifiers: ClinVar variation 4541651 (VCV004541651.1).

ClinVar aggregate classification (germline): Uncertain significance (1 of 4 stars; one submission).

gnomAD v4.1: 9 of 1,614,054 alleles (0.00056%); highest among the groups gnomAD compares: African/African-American, 0.0027%; no homozygotes.

Submission:

Mayo Clinic Laboratories, Mayo Clinic
Classification: Uncertain significance. Last evaluated: 2025-12-04. Review status: criteria provided, single submitter. Criteria: ACMG Guidelines, 2015. Collection method: clinical testing. Allele origin: germline. Observed: 1 variant allele.
Comment: BP4_moderate